The following is an entry in ClinVar:

NM_001199862.2(KCNAB2):c.161G>A (p.Arg54His)

Gene: KCNAB2 (potassium voltage-gated channel subfamily A regulatory beta subunit 2; plus strand). Cytogenetic location: 1p36.31.
Variant type: single nucleotide variant.
Coding change: c.161G>A on transcript NM_001199862.2 (MANE Select); coding-DNA position 161, G replaced by A.
Protein change: p.Arg54His; replaces arginine 54 with histidine.
Molecular consequence: missense variant. On other transcripts: intron variant (5).
Genome position (GRCh38, 1-based): chr1:6,051,697, G>A. VCF-style: chr1-6051697-G-A. GRCh37 (hg19) VCF-style: chr1-6111757-G-A.
Other names: c.119+9825G>A (NM_001199861.2, NM_003636.4, NM_001199860.2); c.77+11052G>A (NM_172130.3); c.-83+5514G>A (NM_001199863.2); short protein forms R54H.
Identifiers: ClinVar variation 4982473 (VCV004982473.1).
Genomic context (GRCh38, chr1:6,051,697, plus strand): 5'-TGCAGCGGCTGCGGGAGGTGCGGGCGGCTGCCCAGGCCAGGAACATGGAGAGCTTCCTCC[G>A]CATGCACGGCCTTTCCCTGGACGGCTGCACCGCCCAGCGCACAGGCATGAAGTATCGGTA-3'
Protein context (NP_001186791.1, residues 44-64): AQARNMESFL[Arg54His]MHGLSLDGCT

ClinVar aggregate classification (germline): Benign (1 of 4 stars; one submission).

Conditions:
KCNAB2-related disorder. Also called: KCNAB2-related condition.

gnomAD v4.1: 56,738 of 1,533,782 alleles (3.7%); highest among the groups gnomAD compares: Non-Finnish European, 4.3%; 1,227 homozygotes.

Submission:

PreventionGenetics, part of Exact Sciences
Classification: Benign for KCNAB2-related condition. Last evaluated: 2025-07-10. Review status: criteria provided, single submitter. Criteria: ACMG Guidelines, 2015. Collection method: clinical testing. Allele origin: germline.
Comment: This variant is classified as benign based on ACMG/AMP sequence variant interpretation guidelines (Richards et al. 2015 PMID: 25741868, with internal and published modifications).